The following is an entry in ClinVar:

ClinVar aggregate classification (germline): Benign. Review status: criteria provided, multiple submitters, no conflicts (2 of 4 stars). 6 submissions from 6 submitters: Benign (5). 1 of the submissions does not count toward it. Last evaluated 2026-01-24.

Conditions:
Finnish type amyloidosis. Also called: AMYLOID CRANIAL NEUROPATHY WITH LATTICE CORNEAL DYSTROPHY; AMYLOIDOSIS DUE TO MUTANT GELSOLIN; Lattice corneal dystrophy associated with familial systemic amyloidosis; Meretoja's syndrome; Lattice dystrophy of the cornea with hereditary generalized amyloidosis; Amyloidosis, familial, Finnish type. Identifiers: Orphanet 85448, MedGen C1622345, MONDO:0007097, OMIM 105120.
GSN-related disorder. Also called: GSN-related condition.

Allele frequency attached by ClinVar (database versions not stated): gnomAD exomes 0.00233 and 0.00659; ExAC 0.00792; gnomAD 0.02484 and 0.02654; TOPMed 0.02765; ESP Exome Variant Server 0.02776; 1000 Genomes Project 0.02935; 1000 Genomes Project 30x 0.03170.

Submissions (6):

Labcorp Genetics (formerly Invitae), Labcorp
Classification: Benign. Last evaluated: 2026-01-24. Review status: criteria provided, single submitter. Criteria: Invitae Variant Classification Sherloc (09022015). Collection method: clinical testing. Allele origin: germline.

Mayo Clinic Laboratories, Mayo Clinic
Classification: Benign. Last evaluated: 2022-02-13. Review status: criteria provided, single submitter. Criteria: ACMG Guidelines, 2015. Collection method: clinical testing. Allele origin: germline. Observed: 5 variant alleles.

GeneDx
Classification: Benign. Last evaluated: 2021-05-06. Review status: criteria provided, single submitter. Criteria: GeneDx Variant Classification Process June 2021. Collection method: clinical testing. Allele origin: germline. Affected: yes.

Illumina Laboratory Services, Illumina
Classification: Benign for Finnish type amyloidosis. Last evaluated: 2018-01-13. Review status: criteria provided, single submitter. Criteria: ICSL Variant Classification Criteria 13 December 2019. Collection method: clinical testing. Allele origin: germline.
Comment: This variant was observed in the ICSL laboratory as part of a predisposition screen in an ostensibly healthy population. It had not been previously curated by ICSL or reported in the Human Gene Mutation Database (HGMD: prior to June 1st, 2018), and was therefore a candidate for classification through an automated scoring system. Utilizing variant allele frequency, disease prevalence and penetrance estimates, and inheritance mode, an automated score was calculated to assess if this variant is too frequent to cause the disease. Based on the score and internal cut-off values, a variant classified as benign is not then subjected to further curation. The score for this variant resulted in a classification of benign for this disease.

Breakthrough Genomics
Classification: Benign. Review status: criteria provided, single submitter. Criteria: ACMG Guidelines, 2015. Collection method: not provided. Allele origin: germline. Inheritance: Autosomal dominant inheritance. Affected: yes.

PreventionGenetics, part of Exact Sciences
Classification: Benign for GSN-related condition. Last evaluated: 2019-03-22. Review status: no assertion criteria provided. Collection method: clinical testing. Allele origin: germline. Not counted in ClinVar's aggregate classification.
Comment: This variant is classified as benign based on ACMG/AMP sequence variant interpretation guidelines (Richards et al. 2015 PMID: 25741868, with internal and published modifications).

NM_198252.3(GSN):c.29A>G (p.Lys10Arg)

Gene: GSN (gelsolin; plus strand). Cytogenetic location: 9q33.2.
Variant type: single nucleotide variant.
Coding change: c.29A>G on transcript NM_198252.3 (MANE Select); coding-DNA position 29, A replaced by G.
Protein change: p.Lys10Arg; replaces lysine 10 with arginine.
Molecular consequence: missense variant. On other transcripts: intron variant (1).
Genome position (GRCh38, 1-based): chr9:121,302,000, A>G. VCF-style: chr9-121302000-A-G. GRCh37 (hg19) VCF-style: chr9-124064278-A-G.
Other names: p.Lys61Arg; c.182A>G, p.Lys61Arg (NM_000177.5); c.29A>G, p.Lys10Arg (NM_001127662.2, NM_001127664.2, NM_001127665.2 and 10 more transcripts); c.137A>G, p.Lys46Arg (NM_001127663.2); c.62A>G, p.Lys21Arg (NM_001127666.2, NM_001127667.2, NM_001353063.2 and 13 more transcripts); c.80A>G, p.Lys27Arg (NM_001258029.2); c.53A>G, p.Lys18Arg (NM_001258030.2); c.101A>G, p.Lys34Arg (NM_001353076.2); and 1 more; short protein forms K21R, K61R, K18R, K27R, K46R, K10R, K34R.
Identifiers: ClinVar variation 364796 (VCV000364796.20), dbSNP rs115224458, ClinGen allele CA5220744.